The following is an entry in ClinVar:

ClinVar aggregate classification (germline): Pathogenic/Likely pathogenic. Review status: criteria provided, multiple submitters, no conflicts (2 of 4 stars). 2 submissions from 2 submitters: Pathogenic (1); Likely pathogenic (1). Last evaluated 2025-07-22.

Conditions:
Epilepsy, familial focal, with variable foci 3 (FFEVF3). Identifiers: MedGen C4310708, MONDO:0014925, OMIM 617118.

Submissions (2):

ARUP Laboratories, Molecular Genetics and Genomics, ARUP Laboratories
Classification: Likely pathogenic for Epilepsy, familial focal, with variable foci 3. Last evaluated: 2025-07-22. Review status: criteria provided, single submitter. Criteria: ARUP Molecular Germline Variant Investigation Process 2024. Collection method: clinical testing. Allele origin: germline.
Comment: The NPRL3 c.1211_1245del;p.Ile404ThrfsTer40 variant (rs1898686157), to our knowledge, is not reported in the medical literature but is reported in ClinVar (Variation ID: 850891). This variant is absent from the Genome Aggregation Database (v2.1.1), indicating it is not a common polymorphism. This variant causes a frameshift by deleting 35 nucleotides, so it is predicted to result in a truncated protein or mRNA subject to nonsense-mediated decay. Based on available information, this variant is considered to be likely pathogenic.

Labcorp Genetics (formerly Invitae), Labcorp
Classification: Pathogenic for Epilepsy, familial focal, with variable foci 3. Last evaluated: 2024-12-02. Review status: criteria provided, single submitter. Criteria: Invitae Variant Classification Sherloc (09022015). Collection method: clinical testing. Allele origin: germline.
Comment: This sequence change creates a premature translational stop signal (p.Ile404Thrfs*40) in the NPRL3 gene. It is expected to result in an absent or disrupted protein product. Loss-of-function variants in NPRL3 are known to be pathogenic (PMID: 26285051, 26505888). This variant is not present in population databases (gnomAD no frequency). This variant has not been reported in the literature in individuals affected with NPRL3-related conditions. ClinVar contains an entry for this variant (Variation ID: 850891). For these reasons, this variant has been classified as Pathogenic.

Literature cited by the submitters: PubMed 26285051 (cited by Labcorp Genetics (formerly Invitae), Labcorp); PubMed 26505888 (cited by Labcorp Genetics (formerly Invitae), Labcorp).

NM_001077350.3(NPRL3):c.1211_1245del (p.Ile404fs)

Genes: HBA-LCR (alpha-globin locus control region; plus strand), NPRL3 (NPR3 like, GATOR1 complex subunit; minus strand). Cytogenetic location: 16p13.3.
Variant type: Deletion.
Coding change: c.1211_1245del on transcript NM_001077350.3 (MANE Select); coding-DNA positions 1211 to 1245, 35 bases deleted.
Protein change: p.Ile404fs; shifts the reading frame from isoleucine 404.
Molecular consequence: frameshift variant.
Genome position (GRCh38, 1-based): chr16:89,819-89,853, 35 bases deleted; deleting any 35 consecutive bases within chr16:89,819-89,857 gives the same sequence; the c. name uses the placement nearest the transcript's 3' end. GRCh37 (hg19): chr16:139,821-139,855.
Other names: c.674_708del, p.Ile225fs (NM_001039476.3); c.977_1011del, p.Ile326fs (NM_001243247.2); c.1136_1170del, p.Ile379fs (NM_001243248.2, NM_001243249.2); short protein forms I404fs, I326fs, I379fs, I225fs.
Identifiers: ClinVar variation 850891 (VCV000850891.9), dbSNP rs1898686157, ClinGen allele CA916083457.